The following is an entry in ClinVar:

NM_000179.3(MSH6):c.1403G>C (p.Arg468Pro)

Gene: MSH6 (mutS homolog 6; plus strand). Cytogenetic location: 2p16.3.
Variant type: single nucleotide variant.
Coding change: c.1403G>C on transcript NM_000179.3 (MANE Select); coding-DNA position 1403, G replaced by C.
Protein change: p.Arg468Pro; replaces arginine 468 with proline.
Molecular consequence: missense variant.
Genome position (GRCh38, 1-based): chr2:47,799,386, G>C. VCF-style: chr2-47799386-G-C. GRCh37 (hg19) VCF-style: chr2-48026525-G-C.
Other names: c.1013G>C, p.Arg338Pro (NM_001281492.2); c.497G>C, p.Arg166Pro (NM_001281493.2, NM_001281494.2); short protein forms R468P, R166P, R338P.
Identifiers: ClinVar variation 233298 (VCV000233298.30), dbSNP rs41295268, ClinGen allele CA10578069.

ClinVar aggregate classification (germline): Conflicting classifications of pathogenicity. Review status: criteria provided, conflicting classifications (1 of 4 stars). 8 submissions from 8 submitters: Uncertain significance (7); Likely benign (1). Last evaluated 2026-04-21.

Conditions:
MSH6-related disorder. Also called: MSH6-related condition; MSH6-Related disorders.
Hereditary nonpolyposis colorectal neoplasms. Identifiers: MedGen C0009405, MeSH D003123.
Hereditary cancer-predisposing syndrome. Also called: Neoplastic Syndromes, Hereditary; Tumor predisposition; Hereditary Cancer Syndrome; Hereditary neoplastic syndrome. Identifiers: Orphanet 140162, MedGen C0027672, MeSH D009386, MONDO:0015356.
Lynch syndrome. Identifiers: Orphanet 144, MedGen C4552100, MONDO:0005835. Disease mechanism: loss of function.
Endometrial carcinoma. Also called: Endometrial carcinoma, somatic. Identifiers: MedGen C0476089, MONDO:0002447, OMIM 608089, HP:0012114.

Allele frequency attached by ClinVar (database versions not stated): gnomAD 0.00003.
gnomAD v4.1: 9 of 1,614,096 alleles (0.00056%); highest among the groups gnomAD compares: African/African-American, 0.0013%; no homozygotes.

Submissions (8):

PreventionGenetics, part of Exact Sciences
Classification: Uncertain significance for MSH6-related condition. Last evaluated: 2026-04-21. Review status: criteria provided, single submitter. Criteria: ACMG Guidelines, 2015. Collection method: clinical testing. Allele origin: germline.
Comment: The MSH6 c.1403G>C variant is predicted to result in the amino acid substitution p.Arg468Pro. This variant has been reported, along with the MSH6 c.1525G>C variant, in at least one individual with a history of endometrial cancer (Study ID 06-215, Supplementary Table 2, Ring et al. 2016. PubMed ID: 27443514). These two variants have also been reported together in other patients tested at PreventionGenetics (internal data). This suggests that the MSH6 c.1403G>C and c.1525G>C variants may be present on the same allele (i.e. in cis﻿) in that patient. This variant is reported in 0.0040% of alleles in individuals of African descent in gnomAD. This variant has conflicting classifications in ClinVar, ranging from uncertain to likely benign (Variation ID: 233298). At this time, the clinical significance of this variant is uncertain due to the absence of conclusive functional and genetic evidence.

Labcorp Genetics (formerly Invitae), Labcorp
Classification: Likely benign for Hereditary nonpolyposis colorectal neoplasms. Last evaluated: 2025-12-21. Review status: criteria provided, single submitter. Criteria: Invitae Variant Classification Sherloc (09022015). Collection method: clinical testing. Allele origin: germline.

Ambry Genetics
Classification: Uncertain significance for Hereditary cancer-predisposing syndrome. Last evaluated: 2024-10-04. Review status: criteria provided, single submitter. Criteria: Ambry Variant Classification Scheme 2023. Collection method: clinical testing. Allele origin: germline.

All of Us Research Program, National Institutes of Health
Classification: Uncertain significance for Lynch syndrome. Last evaluated: 2024-03-24. Review status: criteria provided, single submitter. Criteria: ACMG Guidelines, 2015. Collection method: clinical testing. Allele origin: germline. Inheritance: Autosomal dominant inheritance. Observed: 3 variant alleles, 3 heterozygotes.
Comment: This missense variant replaces arginine with proline at codon 468 of the MSH6 protein. Computational prediction suggests that this variant may have deleterious impact on protein structure and function (internally defined REVEL score threshold >= 0.7, PMID: 27666373). Splice site prediction tools suggest that this variant may not impact RNA splicing. To our knowledge, functional studies have not been performed for this variant. This variant has been reported in an individual affected with endometrial cancer (PMID: 27443514). This variant has also been identified in 2/282540 chromosomes in the general population by the Genome Aggregation Database (gnomAD). The available evidence is insufficient to determine the role of this variant in disease conclusively. Therefore, this variant is classified as a Variant of Uncertain Significance.

This study involves interpretation of variants in research participants for the purpose of population health screening. Participant phenotype was not available at the time of variant classification. Additional details can be found in publication PMID: 35346344, PMCID: PMC8962531

Baylor Genetics
Classification: Uncertain significance for Endometrial carcinoma. Last evaluated: 2024-02-21. Review status: criteria provided, single submitter. Criteria: ACMG Guidelines, 2015. Collection method: clinical testing. Allele origin: unknown.

Color Diagnostics, LLC DBA Color Health
Classification: Uncertain significance for Hereditary cancer-predisposing syndrome. Last evaluated: 2024-02-21. Review status: criteria provided, single submitter. Criteria: ACMG Guidelines, 2015. Collection method: clinical testing. Allele origin: germline.
Comment: This missense variant replaces arginine with proline at codon 468 of the MSH6 protein. Computational prediction suggests that this variant may have deleterious impact on protein structure and function (internally defined REVEL score threshold >= 0.7, PMID: 27666373). To our knowledge, functional studies have not been reported for this variant. This variant has been reported in an individual affected with endometrial cancer (PMID: 27443514). This variant has been identified in 2/282540 chromosomes in the general population by the Genome Aggregation Database (gnomAD). The available evidence is insufficient to determine the role of this variant in disease conclusively. Therefore, this variant is classified as a Variant of Uncertain Significance.

GeneDx
Classification: Uncertain significance. Last evaluated: 2023-03-10. Review status: criteria provided, single submitter. Criteria: GeneDx Variant Classification Process June 2021. Collection method: clinical testing. Allele origin: germline. Affected: yes.
Comment: Not observed at significant frequency in large population cohorts (gnomAD); In silico analysis supports that this missense variant has a deleterious effect on protein structure/function; Identified in an individual with endometrial cancer in published literature (Ring et al., 2016); This variant is associated with the following publications: (PMID: 21060849, 15470502, 28922847, 17531815, 21120944, 27443514, 30798936)

Quest Diagnostics Nichols Institute San Juan Capistrano
Classification: Uncertain significance. Last evaluated: 2019-03-12. Review status: criteria provided, single submitter. Criteria: Quest Diagnostics criteria. Collection method: clinical testing. Allele origin: germline.

Literature cited by the submitters: PubMed 27443514 (cited by 3 submitters); PubMed 23621914 (cited by Quest Diagnostics Nichols Institute San Juan Capistrano); PubMed 30798936 (cited by Quest Diagnostics Nichols Institute San Juan Capistrano).